The following is an entry in ClinVar:

ClinVar aggregate classification (germline): Pathogenic (1 of 4 stars; one submission).

Submission:

Labcorp Genetics (formerly Invitae), Labcorp
Classification: Pathogenic. Last evaluated: 2024-02-16. Review status: criteria provided, single submitter. Criteria: Invitae Variant Classification Sherloc (09022015). Collection method: clinical testing. Allele origin: germline.
Comment: This sequence change creates a premature translational stop signal (p.Tyr559*) in the XPC gene. It is expected to result in an absent or disrupted protein product. Loss-of-function variants in XPC are known to be pathogenic (PMID: 23173980, 25256075). This variant is not present in population databases (gnomAD no frequency). This premature translational stop signal has been observed in individual(s) with xeroderma pigmentosum type C (PMID: 23278166, 25566891). For these reasons, this variant has been classified as Pathogenic.

Literature cited by the submitters: PubMed 23173980; PubMed 25256075; PubMed 23278166; PubMed 25566891.

NM_004628.5(XPC):c.1676dup (p.Tyr559Ter)

Gene: XPC (XPC complex subunit, DNA damage recognition and repair factor; minus strand). Cytogenetic location: 3p25.1.
Variant type: Duplication.
Coding change: c.1676dup on transcript NM_004628.5 (MANE Select); coding-DNA position 1676, one base duplicated (A; older notation c.1676dupA).
Protein change: p.Tyr559Ter; replaces tyrosine 559 with a stop codon.
Molecular consequence: nonsense. On other transcripts: non-coding transcript variant (2), intron variant (1).
Genome position (GRCh38, 1-based): chr3:14,158,207, T duplicated on the plus strand (A on the coding strand, the reverse complement: XPC is on the minus strand). VCF-style (leftmost placement, unchanged base first): chr3-14158206-G-GT. GRCh37 (hg19) VCF-style: chr3-14199706-G-GT.
Other names: c.1097dup, p.Tyr366Ter (NM_001354726.2); c.1676dup, p.Tyr559Ter (NM_001354727.2); c.1658dup, p.Tyr553Ter (NM_001354729.2); c.1626+50dup (NM_001354730.2); short protein forms Y553*, Y559*, Y366*.
Identifiers: ClinVar variation 3641261 (VCV003641261.2).
Genomic context (GRCh38, chr3:14,158,206, plus strand): 5'-TCGGACCCAGCCGTCACTGTCAATGCCCACCACATAGGTCATGGGCTTGGTGGCGTACTT[G>GT]TAACAGGTCAGAGGCTGGCCCACCACACCGTGCACACAGTCTACACATACCCACTTTTCC-3'